The following is an entry in ClinVar:

NM_182961.4(SYNE1):c.18870C>T (p.Ser6290=)

Gene: SYNE1 (spectrin repeat containing nuclear envelope protein 1; minus strand). Cytogenetic location: 6q25.2.
Variant type: single nucleotide variant.
Coding change: c.18870C>T on transcript NM_182961.4 (MANE Select); coding-DNA position 18870, C replaced by T.
Protein change: p.Ser6290=; no amino-acid change (serine 6290 retained).
Molecular consequence: synonymous variant.
Genome position (GRCh38, 1-based): chr6:152,262,134, G>A on the plus strand (C>T on the coding strand, the complement: SYNE1 is on the minus strand). VCF-style: chr6-152262134-G-A. GRCh37 (hg19) VCF-style: chr6-152583269-G-A.
Other names: c.18657C>T, p.Ser6219= (NM_033071.5).
Identifiers: ClinVar variation 289558 (VCV000289558.26), dbSNP rs138173087, ClinGen allele CA4054826.

ClinVar aggregate classification (germline): Conflicting classifications of pathogenicity. Review status: criteria provided, conflicting classifications (1 of 4 stars). 8 submissions from 7 submitters: Uncertain significance (2); Benign (3); Likely benign (3). Last evaluated 2025-10-28.

Conditions:
Emery-Dreifuss muscular dystrophy 4, autosomal dominant (EDMD4). Also called: EMERY-DREIFUSS MUSCULAR DYSTROPHY 4 WITH VARIABLE FEATURES. Identifiers: Orphanet 261, MedGen C2751807, MONDO:0013071, OMIM 612998.
Autosomal recessive ataxia, Beauce type. Also called: SYNE1 Deficiency; ATAXIA, RECESSIVE, OF BEAUCE; SYNE1-Related Autosomal Recessive Cerebellar Ataxia; Spinocerebellar ataxia, autosomal recessive 8. Identifiers: Orphanet 88644, MedGen C1853116, MONDO:0012549, OMIM 610743.

Allele frequency attached by ClinVar (database versions not stated): gnomAD exomes 0.00017 and 0.00028; ExAC 0.00024; TOPMed 0.00025; gnomAD 0.00028 and 0.00029; ESP Exome Variant Server 0.00038.
gnomAD v4.1: 305 of 1,613,322 alleles (0.019%); highest among the groups gnomAD compares: African/African-American, 0.015%; no homozygotes.

Submissions (8):

Women's Health and Genetics/Laboratory Corporation of America, LabCorp
Classification: Likely benign. Last evaluated: 2025-10-28. Review status: criteria provided, single submitter. Criteria: LabCorp Variant Classification Summary - May 2015. Collection method: clinical testing. Allele origin: germline.

Labcorp Genetics (formerly Invitae), Labcorp
Classification: Benign for Emery-Dreifuss muscular dystrophy 4, autosomal dominant; Autosomal recessive ataxia, Beauce type. Last evaluated: 2025-05-05. Review status: criteria provided, single submitter. Criteria: Invitae Variant Classification Sherloc (09022015). Collection method: clinical testing. Allele origin: germline.

Athena Diagnostics
Classification: Benign. Last evaluated: 2025-03-24. Review status: criteria provided, single submitter. Criteria: Athena Diagnostics Criteria. Collection method: clinical testing. Allele origin: unknown.
Comment: The frequency of this variant in the general population is higher than would generally be expected for pathogenic variants in this gene. Computational tools yielded predictions that this variant is unlikely to have an effect on normal RNA splicing. This nucleotide position exhibits low evolutionary conservation.

Blueprint Genetics
Classification: Likely benign. Last evaluated: 2024-10-08. Review status: criteria provided, single submitter. Criteria: ACMG Guidelines, 2015. Collection method: clinical testing. Allele origin: germline.

GeneDx
Classification: Likely benign. Last evaluated: 2018-01-22. Review status: criteria provided, single submitter. Criteria: GeneDx Variant Classification (06012015). Collection method: clinical testing. Allele origin: germline. Affected: yes.
Comment: This variant is considered likely benign or benign based on one or more of the following criteria: it is a conservative change, it occurs at a poorly conserved position in the protein, it is predicted to be benign by multiple in silico algorithms, and/or has population frequency not consistent with disease.

Illumina Laboratory Services, Illumina
Classification: Uncertain significance for Autosomal recessive ataxia, Beauce type. Last evaluated: 2018-01-13. Review status: criteria provided, single submitter. Criteria: ICSL Variant Classification Criteria 13 December 2019. Collection method: clinical testing. Allele origin: germline.

Illumina Laboratory Services, Illumina
Classification: Benign for Emery-Dreifuss muscular dystrophy 4, autosomal dominant. Last evaluated: 2018-01-13. Review status: criteria provided, single submitter. Criteria: ICSL Variant Classification Criteria 13 December 2019. Collection method: clinical testing. Allele origin: germline.
Comment: This variant was observed in the ICSL laboratory as part of a predisposition screen in an ostensibly healthy population. It had not been previously curated by ICSL or reported in the Human Gene Mutation Database (HGMD: prior to June 1st, 2018), and was therefore a candidate for classification through an automated scoring system. Utilizing variant allele frequency, disease prevalence and penetrance estimates, and inheritance mode, an automated score was calculated to assess if this variant is too frequent to cause the disease. Based on the score and internal cut-off values, a variant classified as benign is not then subjected to further curation. The score for this variant resulted in a classification of benign for this disease.

Eurofins Ntd Llc (ga)
Classification: Uncertain significance. Last evaluated: 2016-07-25. Review status: criteria provided, single submitter. Criteria: EGL Classification Definitions 2015. Collection method: clinical testing. Allele origin: germline. Observed: 1 variant allele, 1 heterozygote.